The following is an entry in ClinVar:

NM_005732.4(RAD50):c.2299_2311del (p.Asp767fs)

Gene: RAD50 (RAD50 double strand break repair protein; plus strand). Cytogenetic location: 5q31.1.
Variant type: Deletion.
Coding change: c.2299_2311del on transcript NM_005732.4 (MANE Select); coding-DNA positions 2299 to 2311, 13 bases deleted (GACATAGAAGAAC).
Protein change: p.Asp767fs; shifts the reading frame from aspartic acid 767.
Molecular consequence: frameshift variant.
Genome position (GRCh38, 1-based): chr5:132,603,391-132,603,403, GACATAGAAGAAC deleted; deleting any 13 consecutive bases within chr5:132,603,385-132,603,403 gives the same sequence; the c. name uses the placement nearest the transcript's 3' end. VCF-style (leftmost placement, unchanged base first): chr5-132603384-AAAGAACGACATAG-A. GRCh37 (hg19) VCF-style: chr5-131939076-AAAGAACGACATAG-A.
Other names: short protein forms D767fs.
Identifiers: ClinVar variation 648327 (VCV000648327.7), dbSNP rs1211207020, ClinGen allele CA563057576.

ClinVar aggregate classification (germline): Pathogenic (1 of 4 stars; one submission).

Conditions:
Hereditary cancer-predisposing syndrome. Also called: Neoplastic Syndromes, Hereditary; Tumor predisposition; Hereditary Cancer Syndrome; Hereditary neoplastic syndrome. Identifiers: Orphanet 140162, MedGen C0027672, MeSH D009386, MONDO:0015356.

Submission:

Labcorp Genetics (formerly Invitae), Labcorp
Classification: Pathogenic for Hereditary cancer-predisposing syndrome. Last evaluated: 2023-02-15. Review status: criteria provided, single submitter. Criteria: Invitae Variant Classification Sherloc (09022015). Collection method: clinical testing. Allele origin: germline.
Comment: This sequence change creates a premature translational stop signal (p.Asp767Lysfs*8) in the RAD50 gene. It is expected to result in an absent or disrupted protein product. Loss-of-function variants in RAD50 are known to be pathogenic (PMID: 19409520). This variant is present in population databases (no rsID available, gnomAD 0.0009%). This variant has not been reported in the literature in individuals affected with RAD50-related conditions. ClinVar contains an entry for this variant (Variation ID: 648327). For these reasons, this variant has been classified as Pathogenic.

Literature cited by the submitters: PubMed 19409520.